The following is an entry in ClinVar:

ClinVar aggregate classification (germline): Pathogenic. Review status: criteria provided, single submitter (1 of 4 stars). 2 submissions from 2 submitters: Pathogenic (1). 1 of the submissions does not count toward it. Last evaluated 2022-07-19.

Conditions:
Duchenne muscular dystrophy (DMD). Also called: MUSCULAR DYSTROPHY, PSEUDOHYPERTROPHIC PROGRESSIVE, DUCHENNE TYPE; Duchenne Muscular Dystrophy (DMD). Identifiers: Orphanet 98896, MedGen C0013264, MONDO:0010679, OMIM 310200.

Submissions (2):

Labcorp Genetics (formerly Invitae), Labcorp
Classification: Pathogenic for Duchenne muscular dystrophy. Last evaluated: 2022-07-19. Review status: criteria provided, single submitter. Criteria: Invitae Variant Classification Sherloc (09022015). Collection method: clinical testing. Allele origin: germline.
Comment: For these reasons, this variant has been classified as Pathogenic. Algorithms developed to predict the effect of sequence changes on RNA splicing suggest that this variant may disrupt the consensus splice site. ClinVar contains an entry for this variant (Variation ID: 455870). Disruption of this splice site has been observed in individuals with Duchenne muscular dystrophy and Becker muscular dystrophy (PMID: 16770791, 19367636). This variant is not present in population databases (gnomAD no frequency). This sequence change affects a donor splice site in intron 3 of the DMD gene. It is expected to disrupt RNA splicing. Variants that disrupt the donor or acceptor splice site typically lead to a loss of protein function (PMID: 16199547), and loss-of-function variants in DMD are known to be pathogenic (PMID: 16770791, 25007885).

Coyote Medical Laboratory (Beijing), Coyote
Classification: Pathogenic for Duchenne muscular dystrophy. Last evaluated: 2017-11-14. Review status: no assertion criteria provided. Collection method: clinical testing. Allele origin: germline. Inheritance: X-linked inheritance. Affected: yes. Observed: 1 variant allele. Not counted in ClinVar's aggregate classification.

Literature cited by the submitters: PubMed 16770791 (cited by Labcorp Genetics (formerly Invitae), Labcorp); PubMed 19367636 (cited by Labcorp Genetics (formerly Invitae), Labcorp); PubMed 16199547 (cited by Labcorp Genetics (formerly Invitae), Labcorp); PubMed 25007885 (cited by Labcorp Genetics (formerly Invitae), Labcorp).

NM_004006.3(DMD):c.186+1G>A

Gene: DMD (dystrophin; minus strand). Cytogenetic location: Xp21.1.
Variant type: single nucleotide variant.
Coding change: c.186+1G>A on transcript NM_004006.3 (MANE Select); the canonical splice donor site of the intron after coding-DNA position 186, G replaced by A.
Molecular consequence: splice donor variant.
Genome position (GRCh38, 1-based): chrX:32,849,727, C>T on the plus strand (G>A on the coding strand, the complement: DMD is on the minus strand). VCF-style: chrX-32849727-C-T. GRCh37 (hg19) VCF-style: chrX-32867844-C-T.
Other names: c.162+1G>A (NM_000109.4); c.174+1G>A (NM_004009.3); c.-184+1G>A (NM_004010.3).
Identifiers: ClinVar variation 455870 (VCV000455870.13), dbSNP rs1557084067, ClinGen allele CA412674811.
Genomic context (GRCh38, chrX:32,849,727, plus strand): 5'-AGTTTCTGGTCTGAAATTCTACTAAGTTTAAAGTTAACTTTCTTAAAAATAAGTCACATA[C>T]CAGTTTTTGCCCTGTCAGGCCTTCGAGGAGGTCTAGGAGGCGCCTCCCATCCTGTAGGTC-3'